The following is an entry in ClinVar:

ClinVar aggregate classification (germline): Uncertain significance (1 of 4 stars; one submission).

Allele frequency attached by ClinVar (database versions not stated): gnomAD exomes 0.00005.
gnomAD v4.1: 60 of 1,515,394 alleles (0.004%); highest among the groups gnomAD compares: Non-Finnish European, 0.0052%; no homozygotes.

Submission:

Labcorp Genetics (formerly Invitae), Labcorp
Classification: Uncertain significance. Last evaluated: 2025-11-08. Review status: criteria provided, single submitter. Criteria: Invitae Variant Classification Sherloc (09022015). Collection method: clinical testing. Allele origin: germline.
Comment: This sequence change replaces serine, which is neutral and polar, with leucine, which is neutral and non-polar, at codon 127 of the TCF3 protein (p.Ser127Leu). This variant is not present in population databases (gnomAD no frequency). This variant has not been reported in the literature in individuals affected with TCF3-related conditions. ClinVar contains an entry for this variant (Variation ID: 3015502). Invitae Evidence Modeling of protein sequence and biophysical properties (such as structural, functional, and spatial information, amino acid conservation, physicochemical variation, residue mobility, and thermodynamic stability) indicates that this missense variant is not expected to disrupt TCF3 protein function with a negative predictive value of 80%. In summary, the available evidence is currently insufficient to determine the role of this variant in disease. Therefore, it has been classified as a Variant of Uncertain Significance.

NM_003200.5(TCF3):c.380C>T (p.Ser127Leu)

Gene: TCF3 (transcription factor 3; minus strand). Cytogenetic location: 19p13.3.
Variant type: single nucleotide variant.
Coding change: c.380C>T on transcript NM_003200.5 (MANE Select); coding-DNA position 380, C replaced by T.
Protein change: p.Ser127Leu; replaces serine 127 with leucine.
Molecular consequence: missense variant.
Genome position (GRCh38, 1-based): chr19:1,625,695, G>A on the plus strand (C>T on the coding strand, the complement: TCF3 is on the minus strand). VCF-style: chr19-1625695-G-A. GRCh37 (hg19) VCF-style: chr19-1625694-G-A.
Other names: c.380C>T, p.Ser127Leu (NM_001136139.4, NM_001351778.2, NM_001351779.2); short protein forms S127L.
Identifiers: ClinVar variation 3015502 (VCV003015502.3), dbSNP rs914309057, ClinGen allele CA304104639.
Genomic context (GRCh38, chr19:1,625,695, plus strand): 5'-GAGGTCCCCTTCATGCCCGAAGGGGACAGGGGCCCGGGGCTGTTGAGGGCCAGCTCGCCT[G>A]ACAGGAAGCCAGCCTGGTGGGGAGCGGATGGTCAGAAAGCGCCCAGCTGGCATCCAGACC-3'
Protein context (NP_003191.1, residues 117-137): VGGLTQAGFL[Ser127Leu]GELALNSPGP